The following is an entry in ClinVar:

ClinVar aggregate classification (germline): Benign/Likely benign. Review status: criteria provided, multiple submitters, no conflicts (2 of 4 stars). 3 submissions from 3 submitters: Benign (2); Likely benign (1). Last evaluated 2022-10-01.

Allele frequency attached by ClinVar (database versions not stated): 1000 Genomes Project 30x 0.00234; 1000 Genomes Project 0.00280; TOPMed 0.00473; gnomAD 0.00519 and 0.00537; gnomAD exomes 0.00570 and 0.00751; ExAC 0.00580; ESP Exome Variant Server 0.00630.
gnomAD v4.1: 11,695 of 1,612,668 alleles (0.73%); highest among the groups gnomAD compares: Non-Finnish European, 0.86%; 54 homozygotes.

Submissions (3):

CeGaT Center for Human Genetics Tuebingen
Classification: Likely benign. Last evaluated: 2022-10-01. Review status: criteria provided, single submitter. Criteria: CeGaT Center For Human Genetics Tuebingen Variant Classification Criteria Version 2. Collection method: clinical testing. Allele origin: germline. Affected: yes. Observed: 1 variant allele.
Comment: TECPR1: BP4, BP7, BS2

Labcorp Genetics (formerly Invitae), Labcorp
Classification: Benign. Last evaluated: 2018-01-23. Review status: criteria provided, single submitter. Criteria: Invitae Variant Classification Sherloc (09022015). Collection method: clinical testing. Allele origin: germline.

Breakthrough Genomics
Classification: Benign. Review status: criteria provided, single submitter. Criteria: ACMG Guidelines, 2015. Collection method: not provided. Allele origin: germline. Inheritance: Unknown mechanism. Affected: yes.

NM_015395.3(TECPR1):c.606G>A (p.Thr202=)

Gene: TECPR1 (tectonin beta-propeller repeat containing 1; minus strand). Cytogenetic location: 7q21.3.
Variant type: single nucleotide variant.
Coding change: c.606G>A on transcript NM_015395.3 (MANE Select); coding-DNA position 606, G replaced by A.
Protein change: p.Thr202=; no amino-acid change (threonine 202 retained).
Molecular consequence: synonymous variant.
Genome position (GRCh38, 1-based): chr7:98,243,518, C>T on the plus strand (G>A on the coding strand, the complement: TECPR1 is on the minus strand). VCF-style: chr7-98243518-C-T. GRCh37 (hg19) VCF-style: chr7-97872830-C-T.
Identifiers: ClinVar variation 774656 (VCV000774656.28), dbSNP rs117632823, ClinGen allele CA4357293.